The following is an entry in ClinVar:

NM_194248.3(OTOF):c.1783C>T (p.Gln595Ter)

Gene: OTOF (otoferlin; minus strand). Cytogenetic location: 2p23.3.
Variant type: single nucleotide variant.
Coding change: c.1783C>T on transcript NM_194248.3 (MANE Select); coding-DNA position 1783, C replaced by T.
Protein change: p.Gln595Ter; replaces glutamine 595 with a stop codon.
Molecular consequence: nonsense.
Genome position (GRCh38, 1-based): chr2:26,480,806, G>A on the plus strand (C>T on the coding strand, the complement: OTOF is on the minus strand). VCF-style: chr2-26480806-G-A. GRCh37 (hg19) VCF-style: chr2-26703674-G-A.
Other names: c.1783C>T, p.Gln595Ter (NM_001287489.2); short protein forms Q595*.
Identifiers: ClinVar variation 4879945 (VCV004879945.1).
Genomic context (GRCh38, chr2:26,480,806, plus strand): 5'-CTGGAGGCCCTGGGGGACAGCACAGTGCCTGGGGTCTCACCTCCGAGATGGGCGTGGCCT[G>A]CTCCACCTGCACCTCTGTGGAGCTGGTGAGCTCAGGGTTGGAGGTGTCTACGATCTCCAC-3'

ClinVar aggregate classification (germline): Pathogenic (0 of 4 stars; one submission).

Conditions:
Autosomal recessive nonsyndromic hearing loss 9. Also called: NEUROSENSORY NONSYNDROMIC RECESSIVE DEAFNESS 9; OTOF-Related Hearing Loss; Deafness, autosomal recessive 9; AUDITORY NEUROPATHY, AUTOSOMAL RECESSIVE, 1, TEMPERATURE-SENSITIVE. Identifiers: Orphanet 90636, MedGen C1832828, MONDO:0010986, OMIM 601071.

Submission:

Diagnosis and Treatment Center of Genetic Hearing Loss, Eye & ENT Hospital of Fudan University
Classification: Pathogenic for Autosomal recessive nonsyndromic hearing loss 9. Last evaluated: 2026-02-04. Review status: no assertion criteria provided. Collection method: clinical testing. Allele origin: germline. Inheritance: Autosomal recessive inheritance. Affected: yes.
Comment: The c.1783C>T nonsense variant in OTOF leads to a premature stop codon and predicted NMD (PVS1). It is absent from population databases (PM2_Supporting). It was found in trans with pathogenic c.4451_4454del (PM3).